The following is an entry in ClinVar:

NM_019594.4(LRRC8A):c.1960A>C (p.Ile654Leu)

Gene: LRRC8A (leucine rich repeat containing 8 VRAC subunit A; plus strand). Cytogenetic location: 9q34.11.
Variant type: single nucleotide variant.
Coding change: c.1960A>C on transcript NM_019594.4 (MANE Select); coding-DNA position 1960, A replaced by C.
Protein change: p.Ile654Leu; replaces isoleucine 654 with leucine.
Molecular consequence: missense variant.
Genome position (GRCh38, 1-based): chr9:128,909,124, A>C. VCF-style: chr9-128909124-A-C. GRCh37 (hg19) VCF-style: chr9-131671403-A-C.
Other names: c.1960A>C, p.Ile654Leu (NM_001127244.2, NM_001127245.2); short protein forms I654L.
Identifiers: ClinVar variation 4763553 (VCV004763553.1).
Genomic context (GRCh38, chr9:128,909,124, plus strand): 5'-AGCTTCCAGCACCTGCACCGCCTCACCTGCCTTAAGCTGTGGTACAACCACATCGCCTAC[A>C]TCCCCATCCAGATCGGCAACCTCACCAACCTGGAGCGCCTCTACCTGAACCGCAACAAGA-3'
Protein context (NP_062540.2, residues 644-664): LKLWYNHIAY[Ile654Leu]PIQIGNLTNL

ClinVar aggregate classification (germline): Uncertain significance (1 of 4 stars; one submission).

gnomAD v4.1: 1 of 1,613,920 alleles (0.000062%); highest among the groups gnomAD compares: Non-Finnish European, 0.000085%; no homozygotes.

Submission:

Labcorp Genetics (formerly Invitae), Labcorp
Classification: Uncertain significance. Last evaluated: 2025-06-17. Review status: criteria provided, single submitter. Criteria: Invitae Variant Classification Sherloc (09022015). Collection method: clinical testing. Allele origin: germline.
Comment: This sequence change replaces isoleucine, which is neutral and non-polar, with leucine, which is neutral and non-polar, at codon 654 of the LRRC8A protein (p.Ile654Leu). This variant is not present in population databases (gnomAD no frequency). This variant has not been reported in the literature in individuals affected with LRRC8A-related conditions. An algorithm developed to predict the effect of missense changes on protein structure and function (PolyPhen-2) suggests that this variant is likely to be tolerated. In summary, the available evidence is currently insufficient to determine the role of this variant in disease. Therefore, it has been classified as a Variant of Uncertain Significance.